The following is an entry in ClinVar:

NM_001042492.3(NF1):c.2681T>G (p.Phe894Cys)

Gene: NF1 (neurofibromin 1; plus strand). Cytogenetic location: 17q11.2.
Variant type: single nucleotide variant.
Coding change: c.2681T>G on transcript NM_001042492.3 (MANE Select); coding-DNA position 2681, T replaced by G.
Protein change: p.Phe894Cys; replaces phenylalanine 894 with cysteine.
Molecular consequence: missense variant.
Genome position (GRCh38, 1-based): chr17:31,229,296, T>G. VCF-style: chr17-31229296-T-G. GRCh37 (hg19) VCF-style: chr17-29556314-T-G.
Other names: c.2681T>G, p.Phe894Cys (NM_000267.4); short protein forms F894C.
Identifiers: ClinVar variation 1794689 (VCV001794689.6), dbSNP rs1282493551, ClinGen allele CA398984908.

ClinVar aggregate classification (germline): Uncertain significance. Review status: criteria provided, multiple submitters, no conflicts (2 of 4 stars). 3 submissions from 3 submitters: Uncertain significance (3). Last evaluated 2026-09-04.

Conditions:
Cardiovascular phenotype. Identifiers: MedGen CN230736.
Hereditary cancer-predisposing syndrome. Also called: Hereditary Cancer Syndrome; Hereditary neoplastic syndrome; Neoplastic Syndromes, Hereditary; Tumor predisposition. Identifiers: Orphanet 140162, MedGen C0027672, MeSH D009386, MONDO:0015356.

Submissions (3):

Ambry Genetics
Classification: Uncertain significance for Cardiovascular phenotype; Hereditary cancer-predisposing syndrome. Last evaluated: 2026-09-04. Review status: criteria provided, single submitter. Criteria: Ambry Variant Classification Scheme 2023. Collection method: clinical testing. Allele origin: germline.
Comment: The p.F894C variant (also known as c.2681T>G), located in coding exon 21 of the NF1 gene, results from a T to G substitution at nucleotide position 2681. The phenylalanine at codon 894 is replaced by cysteine, an amino acid with highly dissimilar properties. Other variant(s) at the same codon, p.F894S (c.2681T>C), have been identified in individual(s) with features consistent with Neurofibromatosis type 1 (Ambry internal data). This amino acid position is highly conserved in available vertebrate species. In addition, this alteration is predicted to be deleterious by in silico analysis. Based on the available evidence, the clinical significance of this variant remains unclear.

GeneDx
Classification: Uncertain significance. Last evaluated: 2024-03-20. Review status: criteria provided, single submitter. Criteria: GeneDx Variant Classification Process June 2021. Collection method: clinical testing. Allele origin: germline. Affected: yes.
Comment: Not observed at significant frequency in large population cohorts (gnomAD); In silico analysis supports that this missense variant has a deleterious effect on protein structure/function; Has not been previously published as pathogenic or benign to our knowledge; This variant is associated with the following publications: (PMID: 25486365, 2121369)

Women's Health and Genetics/Laboratory Corporation of America, LabCorp
Classification: Uncertain significance. Last evaluated: 2024-02-26. Review status: criteria provided, single submitter. Criteria: LabCorp Variant Classification Summary - May 2015. Collection method: clinical testing. Allele origin: germline.
Comment: Variant summary: NF1 c.2681T>G (p.Phe894Cys) results in a non-conservative amino acid change in the encoded protein sequence. Five of five in-silico tools predict a damaging effect of the variant on protein function. The variant was absent in 251142 control chromosomes (gnomAD). The available data on variant occurrences in the general population are insufficient to allow any conclusion about variant significance. To our knowledge, no occurrence of c.2681T>G in individuals affected with Neurofibromatosis Type 1 and no experimental evidence demonstrating its impact on protein function have been reported. ClinVar contains an entry for this variant (Variation ID: 1794689). Based on the evidence outlined above, the variant was classified as uncertain significance.